The following is an entry in ClinVar:

NM_015650.4(TRAF3IP1):c.1213A>G (p.Ser405Gly)

Gene: TRAF3IP1 (TRAF3 interacting protein 1; plus strand). Cytogenetic location: 2q37.3.
Variant type: single nucleotide variant.
Coding change: c.1213A>G on transcript NM_015650.4 (MANE Select); coding-DNA position 1213, A replaced by G.
Protein change: p.Ser405Gly; replaces serine 405 with glycine.
Molecular consequence: missense variant. On other transcripts: intron variant (1).
Genome position (GRCh38, 1-based): chr2:238,344,550, A>G. VCF-style: chr2-238344550-A-G. GRCh37 (hg19) VCF-style: chr2-239253191-A-G.
Other names: c.1064-2905A>G (NM_001139490.1); short protein forms S405G.
Identifiers: ClinVar variation 2971569 (VCV002971569.2), dbSNP rs543848897, ClinGen allele CA2198319.

ClinVar aggregate classification (germline): Uncertain significance (1 of 4 stars; one submission).

Allele frequency attached by ClinVar (database versions not stated): gnomAD 0.00001; gnomAD exomes 0.00001; ExAC 0.00002; 1000 Genomes Project 30x 0.00016; 1000 Genomes Project 0.00020.
gnomAD v4.1: 25 of 1,614,234 alleles (0.0015%); highest among the groups gnomAD compares: South Asian, 0.025%; no homozygotes.

Submission:

Labcorp Genetics (formerly Invitae), Labcorp
Classification: Uncertain significance. Last evaluated: 2022-11-15. Review status: criteria provided, single submitter. Criteria: Invitae Variant Classification Sherloc (09022015). Collection method: clinical testing. Allele origin: germline.
Comment: In summary, the available evidence is currently insufficient to determine the role of this variant in disease. Therefore, it has been classified as a Variant of Uncertain Significance. Algorithms developed to predict the effect of sequence changes on RNA splicing suggest that this variant may create or strengthen a splice site. Algorithms developed to predict the effect of missense changes on protein structure and function output the following: SIFT: "Tolerated"; PolyPhen-2: "Benign"; Align-GVGD: "Class C0". The glycine amino acid residue is found in multiple mammalian species, which suggests that this missense change does not adversely affect protein function. This variant has not been reported in the literature in individuals affected with TRAF3IP1-related conditions. This variant is present in population databases (rs543848897, gnomAD 0.03%). This sequence change replaces serine, which is neutral and polar, with glycine, which is neutral and non-polar, at codon 405 of the TRAF3IP1 protein (p.Ser405Gly).